The following is an entry in ClinVar:

ClinVar aggregate classification (germline): Benign (0 of 4 stars; one submission).

Conditions:
DCDC1-related disorder. Also called: DCDC1-related condition.

Allele frequency attached by ClinVar (database versions not stated): ExAC 0.00123; ESP Exome Variant Server 0.00413; gnomAD 0.00461; 1000 Genomes Project 0.00479; TOPMed 0.00505; 1000 Genomes Project 30x 0.00531.
gnomAD v4.1: 1,013 of 766,240 alleles (0.13%); highest among the groups gnomAD compares: African/African-American, 1.6%; 7 homozygotes.

Submission:

PreventionGenetics, part of Exact Sciences
Classification: Benign for DCDC1-related condition. Last evaluated: 2019-11-25. Review status: no assertion criteria provided. Collection method: clinical testing. Allele origin: germline.
Comment: This variant is classified as benign based on ACMG/AMP sequence variant interpretation guidelines (Richards et al. 2015 PMID: 25741868, with internal and published modifications).

NM_001387274.1(DCDC1):c.2254T>G (p.Ser752Ala)

Gene: DCDC1 (doublecortin domain containing 1; minus strand). Cytogenetic location: 11p13.
Variant type: single nucleotide variant.
Coding change: c.2254T>G on transcript NM_001387274.1 (MANE Select); coding-DNA position 2254, T replaced by G.
Protein change: p.Ser752Ala; replaces serine 752 with alanine.
Molecular consequence: missense variant. On other transcripts: non-coding transcript variant (1).
Genome position (GRCh38, 1-based): chr11:31,077,909, A>C on the plus strand (T>G on the coding strand, the complement: DCDC1 is on the minus strand). VCF-style: chr11-31077909-A-C. GRCh37 (hg19) VCF-style: chr11-31099456-A-C.
Other names: NM_001350255.1:c.1111T>G; c.2254T>G, p.Ser752Ala (NM_001367979.1); short protein forms S752A.
Identifiers: ClinVar variation 3043008 (VCV003043008.2), dbSNP rs150603680, ClinGen allele CA5932136.
Genomic context (GRCh38, chr11:31,077,909, plus strand): 5'-ATTATAAAGTCCTTACCTTTGAATAAATGCAACCATCAGTTCCAAACACCCACTTCTGAG[A>C]GTCATCTCCACTATGTCTGTAACGAAAATGTAATTTAGAGATTGACATCTTCTCTCCACA-3'
Protein context (NP_001374203.1, residues 742-762): ILQKRHSGDD[Ser752Ala]QKWVFGTDGC